The following is an entry in ClinVar:

ClinVar aggregate classification (germline): Likely pathogenic (1 of 4 stars; one submission).

Conditions:
Rare genetic deafness. Identifiers: Orphanet 96210, MedGen C5680250.

Submission:

Laboratory for Molecular Medicine, Mass General Brigham Personalized Medicine
Classification: Likely pathogenic for Rare genetic deafness. Last evaluated: 2018-11-14. Review status: criteria provided, single submitter. Criteria: LMM Criteria. Collection method: clinical testing. Allele origin: germline. Inheritance: Autosomal dominant inheritance. Observed: 1 variant allele.
Comment: The p.Leu399ProfsX5 variant in EYA1 has not been previously reported in individu als with hearing loss or branchio-oto-renal spectrum disorder and was absent fro m large population studies. This variant is predicted to cause a frameshift, whi ch alters the protein?s amino acid sequence beginning at position 399 and leads to a premature termination codon 5 amino acids downstream. This alteration is th en predicted to lead to a truncated or absent protein. Loss of function of the E YA1 gene is an established disease mechanism in autosomal dominant branchio-oto- renal syndrome. In summary, although additional studies are required to fully es tablish its clinical significance, this variant meets criteria to be classified as likely pathogenic for autosomal dominant branchio-oto-renal syndrome. ACMG/AM P Criteria applied: PVS1, PM2.

NM_000503.6(EYA1):c.1195dup (p.Leu399fs)

Gene: EYA1 (EYA transcriptional coactivator and phosphatase 1; minus strand). Cytogenetic location: 8q13.3.
Variant type: Duplication.
Coding change: c.1195dup on transcript NM_000503.6 (MANE Select); coding-DNA position 1195, one base duplicated (C; older notation c.1195dupC).
Protein change: p.Leu399fs; shifts the reading frame from leucine 399.
Molecular consequence: frameshift variant.
Genome position (GRCh38, 1-based): chr8:71,216,969, G duplicated on the plus strand (C on the coding strand, the reverse complement: EYA1 is on the minus strand); the first of 2 consecutive G bases (chr8:71,216,969-71,216,970); duplicating either gives the same sequence. VCF-style (leftmost placement, unchanged base first): chr8-71216968-A-AG. GRCh37 (hg19) VCF-style: chr8-72129203-A-AG.
Other names: c.829dup, p.Leu277fs (NM_001288575.2); c.1282dup, p.Leu428fs (NM_001370333.1); c.1195dup, p.Leu399fs (NM_001370334.1, NM_001370335.1, NM_172058.4); c.1174dup, p.Leu392fs (NM_001370336.1); c.1177dup, p.Leu393fs (NM_172059.5, NM_001288574.2); short protein forms L393fs, L399fs, L428fs, L392fs, L277fs.
Identifiers: ClinVar variation 667001 (VCV000667001.4), dbSNP rs1585820240, ClinGen allele CA915945734.